The following is an entry in ClinVar:

ClinVar aggregate classification (germline): Pathogenic (1 of 4 stars; one submission).

Conditions:
Pheochromocytoma. Also called: MAX-Related Hereditary Paraganglioma-Pheochromocytoma Syndrome. Identifiers: Orphanet 29072, MedGen C0031511, MONDO:0008233, OMIM 171300, HP:0002666.
Pheochromocytoma/paraganglioma syndrome 4. Also called: CAROTID BODY TUMORS AND MULTIPLE EXTRAADRENAL PHEOCHROMOCYTOMAS; PARAGANGLIOMA, FAMILIAL MALIGNANT; PARAGANGLIOMAS, HEREDITARY EXTRAADRENAL; PHEOCHROMOCYTOMA, FAMILIAL EXTRAADRENAL; Paragangliomas 4; SDHB-Related Hereditary Paraganglioma-Pheochromocytoma Syndrome (Paragangliomas 4). Identifiers: Orphanet 29072, MedGen C1861848, MONDO:0007273, OMIM 115310.
Gastrointestinal stromal tumor. Also called: Gastrointestinal stromal tumor, somatic; Gastrointestinal stroma tumor. Identifiers: Orphanet 44890, MedGen C0238198, MeSH D046152, MONDO:0011719, OMIM 606764, HP:0100723.

Submission:

Labcorp Genetics (formerly Invitae), Labcorp
Classification: Pathogenic for Gastrointestinal stromal tumor; Pheochromocytoma/paraganglioma syndrome 4; Pheochromocytoma. Last evaluated: 2026-01-05. Review status: criteria provided, single submitter. Criteria: Invitae Variant Classification Sherloc (09022015). Collection method: clinical testing. Allele origin: germline.
Comment: This sequence change creates a premature translational stop signal (p.Tyr170*) in the SDHB gene. It is expected to result in an absent or disrupted protein product. Loss-of-function variants in SDHB are known to be pathogenic (PMID: 19454582, 19802898). This variant is not present in population databases (gnomAD no frequency). This variant has not been reported in the literature in individuals affected with SDHB-related conditions. ClinVar contains an entry for this variant (Variation ID: 3756693). For these reasons, this variant has been classified as Pathogenic.

Literature cited by the submitters: PubMed 19454582; PubMed 19802898.

NM_003000.3(SDHB):c.510T>A (p.Tyr170Ter)

Gene: SDHB (succinate dehydrogenase complex iron sulfur subunit B; minus strand). Cytogenetic location: 1p36.13.
Variant type: single nucleotide variant.
Coding change: c.510T>A on transcript NM_003000.3 (MANE Select); coding-DNA position 510, T replaced by A.
Protein change: p.Tyr170Ter; replaces tyrosine 170 with a stop codon.
Molecular consequence: nonsense.
Genome position (GRCh38, 1-based): chr1:17,027,779, A>T on the plus strand (T>A on the coding strand, the complement: SDHB is on the minus strand). VCF-style: chr1-17027779-A-T. GRCh37 (hg19) VCF-style: chr1-17354274-A-T.
Other names: c.456T>A, p.Tyr152Ter (NM_001407361.1); short protein forms Y152*, Y170*.
Identifiers: ClinVar variation 3756693 (VCV003756693.2).